The following is an entry in ClinVar:

ClinVar aggregate classification (germline): Uncertain significance (1 of 4 stars; one submission).

Conditions:
Inborn genetic diseases. Identifiers: MedGen C0950123, MeSH D030342.

Submission:

Ambry Genetics
Classification: Uncertain significance for Inborn genetic diseases. Last evaluated: 2022-05-03. Review status: criteria provided, single submitter. Criteria: Ambry Variant Classification Scheme 2023. Collection method: clinical testing. Allele origin: germline.
Comment: The p.E65D variant (also known as c.195A>T), located in coding exon 1 of the PIK3CA gene, results from an A to T substitution at nucleotide position 195. The glutamic acid at codon 65 is replaced by aspartic acid, an amino acid with highly similar properties. This amino acid position is conserved. In addition, the in silico prediction for this alteration is inconclusive. Since supporting evidence is limited at this time, the clinical significance of this alteration remains unclear.

NM_006218.4(PIK3CA):c.195A>T (p.Glu65Asp)

Gene: PIK3CA (phosphatidylinositol-4,5-bisphosphate 3-kinase catalytic subunit alpha; plus strand). Cytogenetic location: 3q26.32.
Variant type: single nucleotide variant.
Coding change: c.195A>T on transcript NM_006218.4 (MANE Select); coding-DNA position 195, A replaced by T.
Protein change: p.Glu65Asp; replaces glutamic acid 65 with aspartic acid.
Molecular consequence: missense variant.
Genome position (GRCh38, 1-based): chr3:179,199,020, A>T. VCF-style: chr3-179199020-A-T. GRCh37 (hg19) VCF-style: chr3-178916808-A-T.
Other names: short protein forms E65D.
Identifiers: ClinVar variation 1783381 (VCV001783381.2), dbSNP rs1724339117, ClinGen allele CA355271891.